The following is an entry in ClinVar:

ClinVar aggregate classification (germline): Uncertain significance (1 of 4 stars; one submission).

Submission:

Labcorp Genetics (formerly Invitae), Labcorp
Classification: Uncertain significance. Last evaluated: 2025-08-04. Review status: criteria provided, single submitter. Criteria: Invitae Variant Classification Sherloc (09022015). Collection method: clinical testing. Allele origin: germline.
Comment: This sequence change replaces serine, which is neutral and polar, with alanine, which is neutral and non-polar, at codon 1310 of the SETD5 protein (p.Ser1310Ala). This variant is not present in population databases (gnomAD no frequency). This variant has not been reported in the literature in individuals affected with SETD5-related conditions. Invitae Evidence Modeling of protein sequence and biophysical properties (such as structural, functional, and spatial information, amino acid conservation, physicochemical variation, residue mobility, and thermodynamic stability) indicates that this missense variant is not expected to disrupt SETD5 protein function with a negative predictive value of 80%. In summary, the available evidence is currently insufficient to determine the role of this variant in disease. Therefore, it has been classified as a Variant of Uncertain Significance.

NM_001080517.3(SETD5):c.3928T>G (p.Ser1310Ala)

Gene: SETD5 (SET domain containing 5; plus strand). Cytogenetic location: 3p25.3.
Variant type: single nucleotide variant.
Coding change: c.3928T>G on transcript NM_001080517.3 (MANE Select); coding-DNA position 3928, T replaced by G.
Protein change: p.Ser1310Ala; replaces serine 1310 with alanine.
Molecular consequence: missense variant.
Genome position (GRCh38, 1-based): chr3:9,475,690, T>G. VCF-style: chr3-9475690-T-G. GRCh37 (hg19) VCF-style: chr3-9517374-T-G.
Other names: c.3634T>G, p.Ser1212Ala (NM_001292043.2, NM_001349451.2); c.4024T>G, p.Ser1342Ala (NM_001437633.1); c.4042T>G, p.Ser1348Ala (NM_001437635.1); c.3985T>G, p.Ser1329Ala (NM_001437643.1); c.3967T>G, p.Ser1323Ala (NM_001437701.1); short protein forms S1212A, S1310A, S1342A, S1348A, S1323A, S1329A.
Identifiers: ClinVar variation 4743232 (VCV004743232.2).